The following is an entry in ClinVar:

ClinVar aggregate classification (germline): Uncertain significance (1 of 4 stars; one submission).

Submission:

GeneDx
Classification: Uncertain significance. Last evaluated: 2025-07-29. Review status: criteria provided, single submitter. Criteria: GeneDx Variant Classification Process June 2021. Collection method: clinical testing. Allele origin: germline. Affected: yes.
Comment: Not observed at significant frequency in large population cohorts (gnomAD); In silico analysis supports that this missense variant has a deleterious effect on protein structure/function; Has not been previously published as pathogenic or benign to our knowledge

NM_001348323.3(TRIP12):c.311A>G (p.Gln104Arg)

Gene: TRIP12 (thyroid hormone receptor interactor 12; minus strand). Cytogenetic location: 2q36.3.
Variant type: single nucleotide variant.
Coding change: c.311A>G on transcript NM_001348323.3 (MANE Select); coding-DNA position 311, A replaced by G.
Protein change: p.Gln104Arg; replaces glutamine 104 with arginine.
Molecular consequence: missense variant. On other transcripts: intron variant (1).
Genome position (GRCh38, 1-based): chr2:229,859,488, T>C on the plus strand (A>G on the coding strand, the complement: TRIP12 is on the minus strand). VCF-style: chr2-229859488-T-C. GRCh37 (hg19) VCF-style: chr2-230724204-T-C.
Other names: c.311A>G, p.Gln104Arg (NM_001284214.2, NM_001348315.2, NM_001348319.1 and 15 more transcripts); c.185A>G, p.Gln62Arg (NM_001284215.2, NM_001348316.2, NM_001348317.1 and 3 more transcripts); c.98+20494A>G (NM_001284216.2); short protein forms Q104R, Q62R.
Identifiers: ClinVar variation 4690099 (VCV004690099.1).